The following is an entry in ClinVar:

ClinVar aggregate classification (germline): Uncertain significance (1 of 4 stars; one submission).

Conditions:
Deficiency of adenosine deaminase 2. Also called: Polyarteritis nodosa, childhoood-onset; Adenosine Deaminase 2 Deficiency; VASCULITIS, AUTOINFLAMMATION, IMMUNODEFICIENCY, AND HEMATOLOGIC DEFECTS SYNDROME. Identifiers: Orphanet 404553, MedGen C3887654, MONDO:0014306, OMIM 615688, MONDO:0100317.

Submission:

Labcorp Genetics (formerly Invitae), Labcorp
Classification: Uncertain significance for Deficiency of adenosine deaminase 2. Last evaluated: 2022-07-15. Review status: criteria provided, single submitter. Criteria: Invitae Variant Classification Sherloc (09022015). Collection method: clinical testing. Allele origin: germline.
Comment: This sequence change replaces glutamic acid, which is acidic and polar, with aspartic acid, which is acidic and polar, at codon 57 of the ADA2 protein (p.Glu57Asp). This variant is not present in population databases (gnomAD no frequency). This variant has not been reported in the literature in individuals affected with ADA2-related conditions. Algorithms developed to predict the effect of missense changes on protein structure and function (SIFT, PolyPhen-2, Align-GVGD) all suggest that this variant is likely to be tolerated. In summary, the available evidence is currently insufficient to determine the role of this variant in disease. Therefore, it has been classified as a Variant of Uncertain Significance.

NM_001282225.2(ADA2):c.171G>C (p.Glu57Asp)

Gene: ADA2 (adenosine deaminase 2; minus strand). Cytogenetic location: 22q11.1.
Variant type: single nucleotide variant.
Coding change: c.171G>C on transcript NM_001282225.2 (MANE Select); coding-DNA position 171, G replaced by C.
Protein change: p.Glu57Asp; replaces glutamic acid 57 with aspartic acid.
Molecular consequence: missense variant. On other transcripts: intron variant (1).
Genome position (GRCh38, 1-based): chr22:17,209,507, C>G on the plus strand (G>C on the coding strand, the complement: ADA2 is on the minus strand). VCF-style: chr22-17209507-C-G. GRCh37 (hg19) VCF-style: chr22-17690397-C-G.
Other names: c.171G>C, p.Glu57Asp (NM_001282226.2); c.45G>C, p.Glu15Asp (NM_001282227.2, NM_001282228.2); c.-38-2217G>C (NM_001282229.2); short protein forms E57D, E15D.
Identifiers: ClinVar variation 2173585 (VCV002173585.4), dbSNP rs2517360734, ClinGen allele CA410230660.
Genomic context (GRCh38, chr22:17,209,507, plus strand): 5'-GGTCCTCATGGCCTCCTTCATCTCAGCGATTTTGAGCGTCATGAGCCTCTCATTGGCCAG[C>G]TCCTCCTTGGTGTTCAGCACCAGCCGCCCCCCCAGCCGCATCATCTTTTCTTTCAACAAC-3'
Protein context (NP_001269154.1, residues 47-67): GGRLVLNTKE[Glu57Asp]LANERLMTLK